The following is an entry in ClinVar:

NM_001614.5(ACTG1):c.645G>A (p.Lys215=)

Gene: ACTG1 (actin gamma 1; minus strand). Cytogenetic location: 17q25.3.
Variant type: single nucleotide variant.
Coding change: c.645G>A on transcript NM_001614.5 (MANE Select); coding-DNA position 645, G replaced by A.
Protein change: p.Lys215=; no amino-acid change (lysine 215 retained).
Molecular consequence: synonymous variant. On other transcripts: non-coding transcript variant (1).
Genome position (GRCh38, 1-based): chr17:81,511,345, C>T on the plus strand (G>A on the coding strand, the complement: ACTG1 is on the minus strand). VCF-style: chr17-81511345-C-T. GRCh37 (hg19) VCF-style: chr17-79478371-C-T.
Other names: c.645G>A, p.Lys215= (NM_001199954.3); c.645G>A (NM_001614.3).
Identifiers: ClinVar variation 2950531 (VCV002950531.4), dbSNP rs543202804, ClinGen allele CA8836029.

ClinVar aggregate classification (germline): Conflicting classifications of pathogenicity. Review status: criteria provided, conflicting classifications (1 of 4 stars). 2 submissions from 2 submitters: Uncertain significance (1); Likely benign (1). Last evaluated 2024-09-10.

Conditions:
Baraitser-winter syndrome 2. Identifiers: Orphanet 2995, MedGen C3281235, MONDO:0013812, OMIM 614583.
Autosomal dominant nonsyndromic hearing loss 20. Identifiers: Orphanet 90635, MedGen C1858172, MONDO:0011480, OMIM 604717.

Allele frequency attached by ClinVar (database versions not stated): gnomAD 0.00001; gnomAD exomes 0.00001; ExAC 0.00002; 1000 Genomes Project 30x 0.00016; 1000 Genomes Project 0.00020.
gnomAD v4.1: 16 of 1,613,948 alleles (0.00099%); highest among the groups gnomAD compares: Admixed American, 0.0033%; no homozygotes.

Submissions (2):

Labcorp Genetics (formerly Invitae), Labcorp
Classification: Likely benign for Baraitser-winter syndrome 2; Autosomal dominant nonsyndromic hearing loss 20. Last evaluated: 2024-09-10. Review status: criteria provided, single submitter. Criteria: Invitae Variant Classification Sherloc (09022015). Collection method: clinical testing. Allele origin: germline.

GeneDx
Classification: Uncertain significance. Last evaluated: 2024-05-29. Review status: criteria provided, single submitter. Criteria: GeneDx Variant Classification Process June 2021. Collection method: clinical testing. Allele origin: germline. Affected: yes.
Comment: In silico analysis indicates that this variant does not alter splicing; Has not been previously published as pathogenic or benign to our knowledge